The following is an entry in ClinVar:

ClinVar aggregate classification (germline): Likely benign (1 of 4 stars; one submission).

Allele frequency attached by ClinVar (database versions not stated): gnomAD 0.00001; ExAC 0.00003; TOPMed 0.00005; 1000 Genomes Project 30x 0.00016; 1000 Genomes Project 0.00020.
gnomAD v4.1: 51 of 1,612,064 alleles (0.0032%); highest among the groups gnomAD compares: East Asian, 0.096%; no homozygotes.

Submission:

CeGaT Center for Human Genetics Tuebingen
Classification: Likely benign. Last evaluated: 2022-07-01. Review status: criteria provided, single submitter. Criteria: CeGaT Center For Human Genetics Tuebingen Variant Classification Criteria Version 2. Collection method: clinical testing. Allele origin: germline. Affected: yes. Observed: 1 variant allele.
Comment: FAT3: BP4, BP7

NM_001367949.2(FAT3):c.9498C>T (p.Val3166=)

Gene: FAT3 (FAT atypical cadherin 3; plus strand). Cytogenetic location: 11q14.3.
Variant type: single nucleotide variant.
Coding change: c.9498C>T on transcript NM_001367949.2 (MANE Select); coding-DNA position 9498, C replaced by T.
Protein change: p.Val3166=; no amino-acid change (valine 3166 retained).
Molecular consequence: synonymous variant.
Genome position (GRCh38, 1-based): chr11:92,831,638, C>T. VCF-style: chr11-92831638-C-T. GRCh37 (hg19) VCF-style: chr11-92564804-C-T.
Other names: c.9498C>T, p.Val3166= (NM_001008781.3).
Identifiers: ClinVar variation 2642278 (VCV002642278.24), dbSNP rs141561501, ClinGen allele CA6227862.
Genomic context (GRCh38, chr11:92,831,638, plus strand): 5'-TGGCCATGTTCTTGCCCACTCATTTTCCTGTGTCTCTCCCACAGGCATCAATAGGAAGGT[C>T]GTGTACTCCCTGGCAGACTCAGCTGGTGGGGTCTTCTCCATTGACAGCTCATCTGGCATC-3'
Protein context (NP_001354878.1, residues 3156-3176): VDPDIGINRK[Val3166=]VYSLADSAGG